The following is an entry in ClinVar:

ClinVar aggregate classification (germline): Uncertain significance (1 of 4 stars; one submission).

Conditions:
Inborn genetic diseases. Identifiers: MedGen C0950123, MeSH D030342.

Submission:

Ambry Genetics
Classification: Uncertain significance for Inborn genetic diseases. Last evaluated: 2025-06-21. Review status: criteria provided, single submitter. Criteria: Ambry Variant Classification Scheme 2023. Collection method: clinical testing. Allele origin: germline.
Comment: The p.S284R variant (also known as c.850A>C), located in coding exon 2 of the GATA2 gene, results from an A to C substitution at nucleotide position 850. The serine at codon 284 is replaced by arginine, an amino acid with dissimilar properties. This amino acid position is conserved. In addition, the in silico prediction for this alteration is inconclusive. Based on the available evidence, the clinical significance of this variant remains unclear.

NM_032638.5(GATA2):c.850A>C (p.Ser284Arg)

Gene: GATA2 (GATA binding protein 2; minus strand). Cytogenetic location: 3q21.3.
Variant type: single nucleotide variant.
Coding change: c.850A>C on transcript NM_032638.5 (MANE Select); coding-DNA position 850, A replaced by C.
Protein change: p.Ser284Arg; replaces serine 284 with arginine.
Molecular consequence: missense variant.
Genome position (GRCh38, 1-based): chr3:128,485,748, T>G on the plus strand (A>C on the coding strand, the complement: GATA2 is on the minus strand). VCF-style: chr3-128485748-T-G. GRCh37 (hg19) VCF-style: chr3-128204591-T-G.
Other names: c.850A>C, p.Ser284Arg (NM_001145661.2, NM_001145662.1); short protein forms S284R.
Identifiers: ClinVar variation 4262108 (VCV004262108.1).